The following is an entry in ClinVar:

NM_019851.3(FGF20):c.163G>A (p.Ala55Thr)

Genes: FGF20 (fibroblast growth factor 20; minus strand), LOC129999926 (ATAC-STARR-seq lymphoblastoid silent region 18958; plus strand). Cytogenetic location: 8p22.
Variant type: single nucleotide variant.
Coding change: c.163G>A on transcript NM_019851.3 (MANE Select); coding-DNA position 163, G replaced by A.
Protein change: p.Ala55Thr; replaces alanine 55 with threonine.
Molecular consequence: missense variant.
Genome position (GRCh38, 1-based): chr8:17,001,870, C>T on the plus strand (G>A on the coding strand, the complement: FGF20 is on the minus strand). VCF-style: chr8-17001870-C-T. GRCh37 (hg19) VCF-style: chr8-16859379-C-T.
Other names: c.163G>A (NM_019851.2); short protein forms A55T.
Identifiers: ClinVar variation 2887699 (VCV002887699.4), dbSNP rs991685834, ClinGen allele CA172914936.

ClinVar aggregate classification (germline): Uncertain significance. Review status: criteria provided, multiple submitters, no conflicts (2 of 4 stars). 2 submissions from 2 submitters: Uncertain significance (2). Last evaluated 2024-01-04.

Allele frequency attached by ClinVar (database versions not stated): gnomAD exomes below 0.00001; gnomAD 0.00001; TOPMed 0.00002.
gnomAD v4.1: 3 of 1,462,474 alleles (0.00021%); highest among the groups gnomAD compares: Middle Eastern, 0.023%; no homozygotes.

Submissions (2):

Labcorp Genetics (formerly Invitae), Labcorp
Classification: Uncertain significance. Last evaluated: 2024-01-04. Review status: criteria provided, single submitter. Criteria: Invitae Variant Classification Sherloc (09022015). Collection method: clinical testing. Allele origin: germline.
Comment: This sequence change replaces alanine, which is neutral and non-polar, with threonine, which is neutral and polar, at codon 55 of the FGF20 protein (p.Ala55Thr). This variant is not present in population databases (gnomAD no frequency). This variant has not been reported in the literature in individuals affected with FGF20-related conditions. An algorithm developed to predict the effect of missense changes on protein structure and function (PolyPhen-2) suggests that this variant is likely to be tolerated. In summary, the available evidence is currently insufficient to determine the role of this variant in disease. Therefore, it has been classified as a Variant of Uncertain Significance.

Ambry Genetics
Classification: Uncertain significance. Last evaluated: 2023-12-20. Review status: criteria provided, single submitter. Criteria: Ambry Variant Classification Scheme 2023. Collection method: clinical testing. Allele origin: germline.